The following is an entry in ClinVar:

ClinVar aggregate classification (germline): Uncertain significance (1 of 4 stars; one submission).

Conditions:
Inborn genetic diseases. Identifiers: MedGen C0950123, MeSH D030342.

Submission:

Ambry Genetics
Classification: Uncertain significance for Inborn genetic diseases. Last evaluated: 2025-03-14. Review status: criteria provided, single submitter. Criteria: Ambry Variant Classification Scheme 2023. Collection method: clinical testing. Allele origin: germline.
Comment: The p.L155Q variant (also known as c.464T>A), located in coding exon 1 of the CEBPA gene, results from a T to A substitution at nucleotide position 464. The leucine at codon 155 is replaced by glutamine, an amino acid with dissimilar properties. This amino acid position is conserved. In addition, this alteration is predicted to be tolerated by in silico analysis. Based on the available evidence, the clinical significance of this variant remains unclear.

NM_004364.5(CEBPA):c.464T>A (p.Leu155Gln)

Gene: CEBPA (CCAAT enhancer binding protein alpha; minus strand). Cytogenetic location: 19q13.11.
Variant type: single nucleotide variant.
Coding change: c.464T>A on transcript NM_004364.5 (MANE Select); coding-DNA position 464, T replaced by A.
Protein change: p.Leu155Gln; replaces leucine 155 with glutamine.
Molecular consequence: missense variant.
Genome position (GRCh38, 1-based): chr19:33,301,951, A>T on the plus strand (T>A on the coding strand, the complement: CEBPA is on the minus strand). VCF-style: chr19-33301951-A-T. GRCh37 (hg19) VCF-style: chr19-33792857-A-T.
Other names: c.107T>A, p.Leu36Gln (NM_001285829.2); c.569T>A, p.Leu190Gln (NM_001287424.2); c.422T>A, p.Leu141Gln (NM_001287435.2); short protein forms L36Q, L155Q, L190Q, L141Q.
Identifiers: ClinVar variation 3831243 (VCV003831243.1).